The following is an entry in ClinVar:

ClinVar aggregate classification (germline): Uncertain significance. Review status: criteria provided, multiple submitters, no conflicts (2 of 4 stars). 2 submissions from 2 submitters: Uncertain significance (2). Last evaluated 2025-08-07.

Conditions:
Amyotrophic lateral sclerosis type 1 (ALS1). Also called: AMYOTROPHIC LATERAL SCLEROSIS 1, FAMILIAL. Identifiers: Orphanet 803, MedGen C1862939, MONDO:0007103, OMIM 105400.
Perry syndrome. Also called: PARKINSONISM WITH ALVEOLAR HYPOVENTILATION AND MENTAL DEPRESSION. Identifiers: Orphanet 178509, MedGen C1868594, MONDO:0008201, OMIM 168605.
Neuronopathy, distal hereditary motor, type 7B. Also called: NEURONOPATHY, DISTAL HEREDITARY MOTOR, AUTOSOMAL DOMINANT 14; NEURONOPATHY, DISTAL HEREDITARY MOTOR, HARDING TYPE VIIB; NEUROPATHY, DISTAL HEREDITARY MOTOR, HARDING TYPE VIIB; NEUROPATHY, DISTAL HEREDITARY MOTOR, WITH VOCAL CORD PARALYSIS, HARDING TYPE VIIB; Distal Hereditary Motor Neuronopathy Type 7B (dHMN7B); HMN VIIB. Identifiers: Orphanet 139589, MedGen C1843315, MONDO:0011879, OMIM 607641.

Submissions (2):

GeneDx
Classification: Uncertain significance. Last evaluated: 2025-08-07. Review status: criteria provided, single submitter. Criteria: GeneDx Variant Classification Process June 2021. Collection method: clinical testing. Allele origin: germline. Affected: yes.
Comment: Not observed at significant frequency in large population cohorts (gnomAD); In silico analysis suggests that this missense variant does not alter protein structure/function; Has not been previously published as pathogenic or benign to our knowledge

Labcorp Genetics (formerly Invitae), Labcorp
Classification: Uncertain significance for Amyotrophic lateral sclerosis type 1; Neuronopathy, distal hereditary motor, type 7B; Perry syndrome. Last evaluated: 2022-07-23. Review status: criteria provided, single submitter. Criteria: Invitae Variant Classification Sherloc (09022015). Collection method: clinical testing. Allele origin: germline.
Comment: This sequence change replaces isoleucine, which is neutral and non-polar, with phenylalanine, which is neutral and non-polar, at codon 1045 of the DCTN1 protein (p.Ile1045Phe). This variant is not present in population databases (gnomAD no frequency). This variant has not been reported in the literature in individuals affected with DCTN1-related conditions. Algorithms developed to predict the effect of missense changes on protein structure and function are either unavailable or do not agree on the potential impact of this missense change (SIFT: "Deleterious"; PolyPhen-2: "Benign"; Align-GVGD: "Class C0"). In summary, the available evidence is currently insufficient to determine the role of this variant in disease. Therefore, it has been classified as a Variant of Uncertain Significance.

NM_004082.5(DCTN1):c.3133A>T (p.Ile1045Phe)

Gene: DCTN1 (dynactin subunit 1; minus strand). Cytogenetic location: 2p13.1.
Variant type: single nucleotide variant.
Coding change: c.3133A>T on transcript NM_004082.5 (MANE Select); coding-DNA position 3133, A replaced by T.
Protein change: p.Ile1045Phe; replaces isoleucine 1045 with phenylalanine.
Molecular consequence: missense variant. On other transcripts: non-coding transcript variant (1).
Genome position (GRCh38, 1-based): chr2:74,365,138, T>A on the plus strand (A>T on the coding strand, the complement: DCTN1 is on the minus strand). VCF-style: chr2-74365138-T-A. GRCh37 (hg19) VCF-style: chr2-74592265-T-A.
Other names: c.3073A>T, p.Ile1025Phe (NM_001135040.3); c.2731A>T, p.Ile911Phe (NM_001135041.3, NM_023019.4); c.3022A>T, p.Ile1008Phe (NM_001190836.2); c.3112A>T, p.Ile1038Phe (NM_001190837.2); c.3082A>T, p.Ile1028Phe (NM_001378991.1); c.3064A>T, p.Ile1022Phe (NM_001378992.1); short protein forms I1025F, I1028F, I1038F, I1008F, I1022F, I911F, I1045F.
Identifiers: ClinVar variation 2128830 (VCV002128830.5), dbSNP rs1674308457, ClinGen allele CA347340040.